The following is an entry in ClinVar:

NM_000061.3(BTK):c.1578C>G (p.Asn526Lys)

Gene: BTK (Bruton tyrosine kinase; minus strand). Cytogenetic location: Xq22.1.
Variant type: single nucleotide variant.
Coding change: c.1578C>G on transcript NM_000061.3 (MANE Select); coding-DNA position 1578, C replaced by G.
Protein change: p.Asn526Lys; replaces asparagine 526 with lysine.
Molecular consequence: missense variant.
Genome position (GRCh38, 1-based): chrX:101,354,683, G>C on the plus strand (C>G on the coding strand, the complement: BTK is on the minus strand). VCF-style: chrX-101354683-G-C. GRCh37 (hg19) VCF-style: chrX-100609671-G-C.
Other names: c.1680C>G, p.Asn560Lys (NM_001287344.2); c.1050C>G, p.Asn350Lys (NM_001287345.2); short protein forms N526K, N350K, N560K.
Identifiers: ClinVar variation 3724301 (VCV003724301.3).

ClinVar aggregate classification (germline): Conflicting classifications of pathogenicity. Review status: criteria provided, conflicting classifications (1 of 4 stars). 3 submissions from 3 submitters: Likely pathogenic (2); Uncertain significance (1). Last evaluated 2025-04-23.

Conditions:
BTK-related disorder. Also called: BTK-related condition.
X-linked agammaglobulinemia (XLA). Also called: Agammaglobulinemia, Bruton tyrosine kinase; Agammaglobulinemia, BTK; BTK-deficiency; Bruton's agammaglobulinemia; AGAMMAGLOBULINEMIA, X-LINKED, TYPE 1; IMMUNODEFICIENCY 1. Identifiers: Orphanet 229717, Orphanet 47, MedGen C0221026, MONDO:0010421, OMIM 300755.
X-linked agammaglobulinemia with growth hormone deficiency (IGHD3). Also called: ISOLATED GROWTH HORMONE DEFICIENCY, TYPE III, WITH AGAMMAGLOBULINEMIA; AGAMMAGLOBULINEMIA AND ISOLATED GROWTH HORMONE DEFICIENCY, X-LINKED; FLEISHER SYNDROME; HYPOGAMMAGLOBULINEMIA AND ISOLATED GROWTH HORMONE DEFICIENCY, X-LINKED; IGHD III; Isolated growth hormone deficiency type 3. Identifiers: Orphanet 231692, Orphanet 631, MedGen C0472813, MONDO:0010615, OMIM 307200.

Submissions (3):

Variantyx, Inc.
Classification: Likely pathogenic for X-linked agammaglobulinemia. Last evaluated: 2025-04-23. Review status: criteria provided, single submitter. Criteria: Variantyx Assertion Criteria 2022. Collection method: clinical testing. Allele origin: maternal. Inheritance: X-linked recessive inheritance.
Comment: This is a nonsynonymous variant in the BTK gene (OMIM: 300300). Pathogenic variants in this gene have been associated with X-linked agammaglobulinemia 1. This variant has been reported in at least 1 affected individual (PMID: 7711734) (PS4_Moderate), and is absent from control populations (PM2). This variant lies within a well-established critical functional domain of the BTK protein (PM1), and multiple computational algorithms predict a deleterious effect (REVEL score: 0.879) (PP3). Based on the current evidence, this variant is classified as likely pathogenic for X-linked agammaglobulinemia 1.

PreventionGenetics, part of Exact Sciences
Classification: Uncertain significance for BTK-related condition. Last evaluated: 2025-01-10. Review status: criteria provided, single submitter. Criteria: ACMG Guidelines, 2015. Collection method: clinical testing. Allele origin: germline.
Comment: The BTK c.1578C>G variant is predicted to result in the amino acid substitution p.Asn526Lys. This variant has been reported in an individual with agammaglobulinaemia (Vorechovsky et al. 1995. PubMed ID: 7711734). This variant has not been reported in a large population database (gnomAD), indicating this variant is rare. Although we suspect that this variant may be pathogenic, at this time, the clinical significance of this variant is uncertain due to the absence of conclusive functional and genetic evidence.

Labcorp Genetics (formerly Invitae), Labcorp
Classification: Likely pathogenic for X-linked agammaglobulinemia with growth hormone deficiency. Last evaluated: 2024-07-31. Review status: criteria provided, single submitter. Criteria: Invitae Variant Classification Sherloc (09022015). Collection method: clinical testing. Allele origin: germline.
Comment: This sequence change replaces asparagine, which is neutral and polar, with lysine, which is basic and polar, at codon 526 of the BTK protein (p.Asn526Lys). This variant is not present in population databases (gnomAD no frequency). This missense change has been observed in individuals with X-linked agammaglobulinemia (PMID: 7711734, 27593100; Invitae). Advanced modeling of protein sequence and biophysical properties (such as structural, functional, and spatial information, amino acid conservation, physicochemical variation, residue mobility, and thermodynamic stability) performed at Invitae indicates that this missense variant is expected to disrupt BTK protein function with a positive predictive value of 80%. In summary, the currently available evidence indicates that the variant is pathogenic, but additional data are needed to prove that conclusively. Therefore, this variant has been classified as Likely Pathogenic.

Literature cited by the submitters: PubMed 7711734 (cited by Variantyx, Inc. and Labcorp Genetics (formerly Invitae), Labcorp); PubMed 27593100 (cited by Labcorp Genetics (formerly Invitae), Labcorp).